The following is an entry in ClinVar:

ClinVar aggregate classification (germline): Uncertain significance (1 of 4 stars; one submission).

Conditions:
Wiskott-Aldrich syndrome 2 (WAS2). Also called: WIPF1 DEFICIENCY. Identifiers: Orphanet 906, MedGen C3281001, MONDO:0013779, OMIM 614493.

gnomAD v4.1: 9 of 1,614,154 alleles (0.00056%); highest among the groups gnomAD compares: Non-Finnish European, 0.00076%; no homozygotes.

Submission:

Labcorp Genetics (formerly Invitae), Labcorp
Classification: Uncertain significance for Wiskott-Aldrich syndrome 2. Last evaluated: 2022-06-06. Review status: criteria provided, single submitter. Criteria: Invitae Variant Classification Sherloc (09022015). Collection method: clinical testing. Allele origin: germline.
Comment: In summary, the available evidence is currently insufficient to determine the role of this variant in disease. Therefore, it has been classified as a Variant of Uncertain Significance. Algorithms developed to predict the effect of missense changes on protein structure and function are either unavailable or do not agree on the potential impact of this missense change (SIFT: "Not Available"; PolyPhen-2: "Possibly Damaging"; Align-GVGD: "Not Available"). This variant has not been reported in the literature in individuals affected with WIPF1-related conditions. This variant is not present in population databases (gnomAD no frequency). This sequence change replaces glutamine, which is neutral and polar, with arginine, which is basic and polar, at codon 336 of the WIPF1 protein (p.Gln336Arg).

NM_001375834.1(WIPF1):c.1007A>G (p.Gln336Arg)

Gene: WIPF1 (WAS/WASL interacting protein family member 1; minus strand). Cytogenetic location: 2q31.1.
Variant type: single nucleotide variant.
Coding change: c.1007A>G on transcript NM_001375834.1 (MANE Select); coding-DNA position 1007, A replaced by G.
Protein change: p.Gln336Arg; replaces glutamine 336 with arginine.
Molecular consequence: missense variant.
Genome position (GRCh38, 1-based): chr2:174,571,798, T>C on the plus strand (A>G on the coding strand, the complement: WIPF1 is on the minus strand). VCF-style: chr2-174571798-T-C. GRCh37 (hg19) VCF-style: chr2-175436526-T-C.
Other names: c.1007A>G, p.Gln336Arg (NM_001077269.1, NM_001375832.1, NM_001375833.1 and 5 more transcripts); c.629A>G, p.Gln210Arg (NM_001375839.1); short protein forms Q210R, Q336R.
Identifiers: ClinVar variation 2179220 (VCV002179220.4), dbSNP rs2468471372, ClinGen allele CA349340618.